The following is an entry in ClinVar:

NM_153766.3(KCNJ1):c.534C>T (p.Asn178=)

Gene: KCNJ1 (potassium inwardly rectifying channel subfamily J member 1; minus strand). Cytogenetic location: 11q24.3.
Variant type: single nucleotide variant.
Coding change: c.534C>T on transcript NM_153766.3 (MANE Select); coding-DNA position 534, C replaced by T.
Protein change: p.Asn178=; no amino-acid change (asparagine 178 retained).
Molecular consequence: synonymous variant.
Genome position (GRCh38, 1-based): chr11:128,839,710, G>A on the plus strand (C>T on the coding strand, the complement: KCNJ1 is on the minus strand). VCF-style: chr11-128839710-G-A. GRCh37 (hg19) VCF-style: chr11-128709605-G-A.
Other names: c.591C>T, p.Asn197= (NM_000220.6); c.534C>T, p.Asn178= (NM_153764.3, NM_153767.4); c.585C>T, p.Asn195= (NM_153765.3).
Identifiers: ClinVar variation 740995 (VCV000740995.12), dbSNP rs140589575, ClinGen allele CA6357499.
Genomic context (GRCh38, chr11:128,839,710, plus strand): 5'-CCTGAGATTAGCCACTCGGATTAGGAGGCAAAGCTTCCCTCCCCGTTTGCTGATCACTGC[G>A]TTCTTGCTGAACGTAATGGTCTTGGCACGTTTTTTGGGCCTGGAGATCTTGGCTAAGATG-3'
Protein context (NP_722450.1, residues 168-188): KRAKTITFSK[Asn178=]AVISKRGGKL

ClinVar aggregate classification (germline): Likely benign. Review status: criteria provided, multiple submitters, no conflicts (2 of 4 stars). 3 submissions from 3 submitters: Likely benign (2). 1 of the submissions does not count toward it. Last evaluated 2026-01-14.

Conditions:
KCNJ1-related disorder. Also called: KCNJ1-related condition.

Allele frequency attached by ClinVar (database versions not stated): gnomAD 0.00006; TOPMed 0.00008; 1000 Genomes Project 0.00020; 1000 Genomes Project 30x 0.00031.
gnomAD v4.1: 130 of 1,613,436 alleles (0.0081%); highest among the groups gnomAD compares: South Asian, 0.075%; 3 homozygotes.

Submissions (3):

Labcorp Genetics (formerly Invitae), Labcorp
Classification: Likely benign. Last evaluated: 2026-01-14. Review status: criteria provided, single submitter. Criteria: Invitae Variant Classification Sherloc (09022015). Collection method: clinical testing. Allele origin: germline.

Breakthrough Genomics
Classification: Likely benign. Review status: criteria provided, single submitter. Criteria: ACMG Guidelines, 2015. Collection method: not provided. Allele origin: germline. Inheritance: Autosomal recessive inheritance. Affected: yes.

PreventionGenetics, part of Exact Sciences
Classification: Likely benign for KCNJ1-related condition. Last evaluated: 2019-10-23. Review status: no assertion criteria provided. Collection method: clinical testing. Allele origin: germline. Not counted in ClinVar's aggregate classification.
Comment: This variant is classified as likely benign based on ACMG/AMP sequence variant interpretation guidelines (Richards et al. 2015 PMID: 25741868, with internal and published modifications).